The following is an entry in ClinVar:

NM_020631.6(PLEKHG5):c.1260C>T (p.Asp420=)

Gene: PLEKHG5 (pleckstrin homology and RhoGEF domain containing G5; minus strand). Cytogenetic location: 1p36.31.
Variant type: single nucleotide variant.
Coding change: c.1260C>T on transcript NM_020631.6 (MANE Select); coding-DNA position 1260, C replaced by T.
Protein change: p.Asp420=; no amino-acid change (aspartic acid 420 retained).
Molecular consequence: synonymous variant.
Genome position (GRCh38, 1-based): chr1:6,471,509, G>A on the plus strand (C>T on the coding strand, the complement: PLEKHG5 is on the minus strand). VCF-style: chr1-6471509-G-A. GRCh37 (hg19) VCF-style: chr1-6531569-G-A.
Other names: c.1371C>T, p.Asp457= (NM_001042663.3, NM_001265592.2); c.1260C>T, p.Asp420= (NM_001042664.2, NM_001042665.2, NM_001265594.3 and 1 more transcripts); c.1467C>T, p.Asp489= (NM_001265593.2).
Identifiers: ClinVar variation 514742 (VCV000514742.3), dbSNP rs1553174252, ClinGen allele CA415832115.

ClinVar aggregate classification (germline): Likely benign. Review status: criteria provided, multiple submitters, no conflicts (2 of 4 stars). 2 submissions from 2 submitters: Likely benign (2). Last evaluated 2019-07-11.

Conditions:
Inborn genetic diseases. Identifiers: MedGen C0950123, MeSH D030342.

gnomAD v4.1: 1 of 1,610,680 alleles (0.000062%); highest among the groups gnomAD compares: South Asian, 0.0011%; no homozygotes.

Submissions (2):

Ambry Genetics
Classification: Likely benign for Inborn genetic diseases. Last evaluated: 2019-07-11. Review status: criteria provided, single submitter. Criteria: Ambry Variant Classification Scheme 2023. Collection method: clinical testing. Allele origin: germline.

GeneDx
Classification: Likely benign. Last evaluated: 2018-01-16. Review status: criteria provided, single submitter. Criteria: GeneDx Variant Classification (06012015). Collection method: clinical testing. Allele origin: germline. Affected: yes.
Comment: This variant is considered likely benign or benign based on one or more of the following criteria: it is a conservative change, it occurs at a poorly conserved position in the protein, it is predicted to be benign by multiple in silico algorithms, and/or has population frequency not consistent with disease.